The following is an entry in ClinVar:

NM_031206.7(LAS1L):c.1341A>G (p.Ala447=)

Gene: LAS1L (LAS1 like ribosome biogenesis factor; minus strand). Cytogenetic location: Xq12.
Variant type: single nucleotide variant.
Coding change: c.1341A>G on transcript NM_031206.7 (MANE Select); coding-DNA position 1341, A replaced by G.
Protein change: p.Ala447=; no amino-acid change (alanine 447 retained).
Molecular consequence: synonymous variant. On other transcripts: non-coding transcript variant (1).
Genome position (GRCh38, 1-based): chrX:65,523,667, T>C on the plus strand (A>G on the coding strand, the complement: LAS1L is on the minus strand). VCF-style: chrX-65523667-T-C. GRCh37 (hg19) VCF-style: chrX-64743547-T-C.
Other names: c.1290A>G, p.Ala430= (NM_001375336.1, NM_001375337.1, NM_001170649.2 and 2 more transcripts); c.1164A>G, p.Ala388= (NM_001170650.2); c.1341A>G, p.Ala447= (NM_001375328.1, NM_001375329.1, NM_001375330.1 and 2 more transcripts); c.384A>G, p.Ala128= (NM_001375332.1).
Identifiers: ClinVar variation 1170743 (VCV001170743.18), dbSNP rs766767923, ClinGen allele CA10433930.

ClinVar aggregate classification (germline): Benign/Likely benign. Review status: criteria provided, multiple submitters, no conflicts (2 of 4 stars). 4 submissions from 4 submitters: Benign (1); Likely benign (3). Last evaluated 2026-08-01.

Conditions:
Wilson-Turner syndrome (WTS). Also called: INTELLECTUAL DEVELOPMENTAL DISORDER, X-LINKED, SYNDROMIC, WILSON-TURNER TYPE; MENTAL RETARDATION, X-LINKED, SYNDROMIC 6. Identifiers: Orphanet 3459, MedGen C1839736, MONDO:0010665, OMIM 309585.

Allele frequency attached by ClinVar (database versions not stated): gnomAD 0.00007 and 0.00006; TOPMed 0.00012; gnomAD exomes 0.00034 and 0.00006; ExAC 0.00067.

Submissions (4):

CeGaT Center for Human Genetics Tuebingen
Classification: Likely benign. Last evaluated: 2026-08-01. Review status: criteria provided, single submitter. Criteria: CeGaT Center For Human Genetics Tuebingen Variant Classification Criteria Version 2. Collection method: clinical testing. Allele origin: germline. Affected: yes. Observed: 1 variant allele.
Comment: LAS1L: BP4, BP7, BS2

Labcorp Genetics (formerly Invitae), Labcorp
Classification: Benign for Wilson-Turner syndrome. Last evaluated: 2025-03-17. Review status: criteria provided, single submitter. Criteria: Invitae Variant Classification Sherloc (09022015). Collection method: clinical testing. Allele origin: germline.

Fulgent Genetics
Classification: Likely benign for Wilson-Turner syndrome. Last evaluated: 2021-12-15. Review status: criteria provided, single submitter. Criteria: ACMG Guidelines, 2015. Collection method: clinical testing. Allele origin: unknown.

ARUP Laboratories, Molecular Genetics and Genomics, ARUP Laboratories
Classification: Likely benign for Wilson-Turner syndrome. Last evaluated: 2021-01-25. Review status: criteria provided, single submitter. Criteria: ARUP Molecular Germline Variant Investigation Process 2021. Collection method: clinical testing. Allele origin: germline.